The following is an entry in ClinVar:

NM_021975.4(RELA):c.1052T>G (p.Phe351Cys)

Gene: RELA (RELA proto-oncogene, NF-kB subunit; minus strand). Cytogenetic location: 11q13.1.
Variant type: single nucleotide variant.
Coding change: c.1052T>G on transcript NM_021975.4 (MANE Select); coding-DNA position 1052, T replaced by G.
Protein change: p.Phe351Cys; replaces phenylalanine 351 with cysteine.
Molecular consequence: missense variant. On other transcripts: intron variant (1).
Genome position (GRCh38, 1-based): chr11:65,654,982, A>C on the plus strand (T>G on the coding strand, the complement: RELA is on the minus strand). VCF-style: chr11-65654982-A-C. GRCh37 (hg19) VCF-style: chr11-65422453-A-C.
Other names: c.1043T>G, p.Phe348Cys (NM_001145138.2); c.1052T>G, p.Phe351Cys (NM_001243985.2); c.1034-189T>G (NM_001243984.2); short protein forms F348C, F351C.
Identifiers: ClinVar variation 1488092 (VCV001488092.8), dbSNP rs1856383668, ClinGen allele CA381388379.

ClinVar aggregate classification (germline): Uncertain significance (1 of 4 stars; one submission).

Allele frequency attached by ClinVar (database versions not stated): gnomAD 0.00001; TOPMed 0.00001.
gnomAD v4.1: 2 of 1,601,438 alleles (0.00012%); highest among the groups gnomAD compares: Non-Finnish European, 0.00017%; no homozygotes.

Submission:

Labcorp Genetics (formerly Invitae), Labcorp
Classification: Uncertain significance. Last evaluated: 2022-03-31. Review status: criteria provided, single submitter. Criteria: Invitae Variant Classification Sherloc (09022015). Collection method: clinical testing. Allele origin: germline.
Comment: Algorithms developed to predict the effect of missense changes on protein structure and function are either unavailable or do not agree on the potential impact of this missense change (SIFT: "Deleterious"; PolyPhen-2: "Possibly Damaging"; Align-GVGD: "Class C0"). In summary, the available evidence is currently insufficient to determine the role of this variant in disease. Therefore, it has been classified as a Variant of Uncertain Significance. Algorithms developed to predict the effect of sequence changes on RNA splicing suggest that this variant may create or strengthen a splice site. This variant has not been reported in the literature in individuals affected with RELA-related conditions. This variant is not present in population databases (gnomAD no frequency). This sequence change replaces phenylalanine, which is neutral and non-polar, with cysteine, which is neutral and slightly polar, at codon 351 of the RELA protein (p.Phe351Cys).